The following is an entry in ClinVar:

ClinVar aggregate classification (germline): Uncertain significance (1 of 4 stars; one submission).

Submission:

Ambry Genetics
Classification: Uncertain significance. Last evaluated: 2022-02-22. Review status: criteria provided, single submitter. Criteria: Ambry Variant Classification Scheme 2023. Collection method: clinical testing. Allele origin: germline.
Comment: The p.N1201S variant (also known as c.3602A>G), located in coding exon 31 of the PRKDC gene, results from an A to G substitution at nucleotide position 3602. The asparagine at codon 1201 is replaced by serine, an amino acid with highly similar properties. This amino acid position is conserved. In addition, this alteration is predicted to be tolerated by in silico analysis. Since supporting evidence is limited at this time, the clinical significance of this alteration remains unclear.

NM_006904.7(PRKDC):c.3602A>G (p.Asn1201Ser)

Gene: PRKDC (protein kinase, DNA-activated, catalytic subunit; minus strand). Cytogenetic location: 8q11.21.
Variant type: single nucleotide variant.
Coding change: c.3602A>G on transcript NM_006904.7 (MANE Select); coding-DNA position 3602, A replaced by G.
Protein change: p.Asn1201Ser; replaces asparagine 1201 with serine.
Molecular consequence: missense variant.
Genome position (GRCh38, 1-based): chr8:47,893,384, T>C on the plus strand (A>G on the coding strand, the complement: PRKDC is on the minus strand). VCF-style: chr8-47893384-T-C. GRCh37 (hg19) VCF-style: chr8-48805944-T-C.
Other names: c.3602A>G, p.Asn1201Ser (NM_001081640.2); short protein forms N1201S.
Identifiers: ClinVar variation 1733109 (VCV001733109.2), dbSNP rs2551874368, ClinGen allele CA371151376.
Genomic context (GRCh38, chr8:47,893,384, plus strand): 5'-ATGAGAAAAGAGACACCTTCTTCCTTGAGAACATCTTTCAGCCACAAATTAGGGGATCTG[T>C]TGCCTTTAAAAAGAAACAAAATTAAAATGCACACATATACCTACATTTCTTTAATCTAAT-3'
Protein context (NP_008835.5, residues 1191-1211): FYKFVPLLPG[Asn1201Ser]RSPNLWLKDV